The following is an entry in ClinVar:

NM_020975.6(RET):c.3026T>G (p.Met1009Arg)

Gene: RET (ret proto-oncogene; plus strand). Cytogenetic location: 10q11.21.
Variant type: single nucleotide variant.
Coding change: c.3026T>G on transcript NM_020975.6 (MANE Select); coding-DNA position 3026, T replaced by G.
Protein change: p.Met1009Arg; replaces methionine 1009 with arginine.
Molecular consequence: missense variant.
Genome position (GRCh38, 1-based): chr10:43,124,969, T>G. VCF-style: chr10-43124969-T-G. GRCh37 (hg19) VCF-style: chr10-43620417-T-G.
Other names: c.3026T>G, p.Met1009Arg (NM_000323.2, NM_001406743.1, NM_001406744.1 and 4 more transcripts); c.2264T>G, p.Met755Arg (NM_001355216.2); c.2897T>G, p.Met966Arg (NM_001406761.1, NM_001406762.1, NM_001406764.1); c.2891T>G, p.Met964Arg (NM_001406763.1, NM_001406765.1); c.2738T>G, p.Met913Arg (NM_001406766.1, NM_001406767.1, NM_001406770.1); c.2762T>G, p.Met921Arg (NM_001406768.1); c.2630T>G, p.Met877Arg (NM_001406769.1, NM_001406772.1); c.2588T>G, p.Met863Arg (NM_001406771.1, NM_001406773.1); and 10 more; short protein forms M526R, M670R, M913R, M966R, M710R, M767R, M921R, M964R.
Identifiers: ClinVar variation 1798968 (VCV001798968.5), dbSNP rs375213011, ClinGen allele CA376558222.

ClinVar aggregate classification (germline): Uncertain significance. Review status: criteria provided, multiple submitters, no conflicts (2 of 4 stars). 3 submissions from 3 submitters: Uncertain significance (3). Last evaluated 2025-11-23.

Conditions:
Hereditary cancer-predisposing syndrome. Also called: Neoplastic Syndromes, Hereditary; Tumor predisposition; Hereditary Cancer Syndrome; Hereditary neoplastic syndrome. Identifiers: Orphanet 140162, MedGen C0027672, MeSH D009386, MONDO:0015356.
Multiple endocrine neoplasia, type 2 (MEN2). Identifiers: Orphanet 653, MedGen C4048306, MONDO:0019003. Disease mechanism: gain of function.

Submissions (3):

Ambry Genetics
Classification: Uncertain significance for Hereditary cancer-predisposing syndrome. Last evaluated: 2025-11-23. Review status: criteria provided, single submitter. Criteria: Ambry Variant Classification Scheme 2023. Collection method: clinical testing. Allele origin: germline.
Comment: The p.M1009R variant (also known as c.3026T>G), located in coding exon 18 of the RET gene, results from a T to G substitution at nucleotide position 3026. The methionine at codon 1009 is replaced by arginine, an amino acid with similar properties. This amino acid position is highly conserved in available vertebrate species. In addition, this alteration is predicted to be deleterious by in silico analysis. Since supporting evidence is limited at this time, the clinical significance of this alteration remains unclear.

All of Us Research Program, National Institutes of Health
Classification: Uncertain significance for Multiple endocrine neoplasia, type 2. Last evaluated: 2023-11-28. Review status: criteria provided, single submitter. Criteria: ACMG Guidelines, 2015. Collection method: clinical testing. Allele origin: germline. Inheritance: Autosomal dominant inheritance. Observed: 2 variant alleles, 2 heterozygotes.
Comment: This study involves interpretation of variants in research participants for the purpose of population health screening. Participant phenotype was not available at the time of variant classification. Additional details can be found in publication PMID: 35346344, PMCID: PMC8962531

GeneDx
Classification: Uncertain significance. Last evaluated: 2023-01-26. Review status: criteria provided, single submitter. Criteria: GeneDx Variant Classification Process June 2021. Collection method: clinical testing. Allele origin: germline. Affected: yes.
Comment: Not observed at significant frequency in large population cohorts (gnomAD); In silico analysis supports that this missense variant has a deleterious effect on protein structure/function; Has not been previously published as pathogenic or benign to our knowledge; This variant is associated with the following publications: (PMID: 14633923)